The following is an entry in ClinVar:

ClinVar aggregate classification (germline): Uncertain significance (1 of 4 stars; one submission).

Submission:

Labcorp Genetics (formerly Invitae), Labcorp
Classification: Uncertain significance. Last evaluated: 2024-03-04. Review status: criteria provided, single submitter. Criteria: Invitae Variant Classification Sherloc (09022015). Collection method: clinical testing. Allele origin: germline.
Comment: This sequence change replaces tyrosine, which is neutral and polar, with phenylalanine, which is neutral and non-polar, at codon 3345 of the LRP2 protein (p.Tyr3345Phe). This variant is not present in population databases (gnomAD no frequency). This variant has not been reported in the literature in individuals affected with LRP2-related conditions. ClinVar contains an entry for this variant (Variation ID: 1998948). Advanced modeling of protein sequence and biophysical properties (such as structural, functional, and spatial information, amino acid conservation, physicochemical variation, residue mobility, and thermodynamic stability) performed at Invitae indicates that this missense variant is not expected to disrupt LRP2 protein function with a negative predictive value of 80%. In summary, the available evidence is currently insufficient to determine the role of this variant in disease. Therefore, it has been classified as a Variant of Uncertain Significance.

NM_004525.3(LRP2):c.10034A>T (p.Tyr3345Phe)

Gene: LRP2 (LDL receptor related protein 2; minus strand). Cytogenetic location: 2q31.1.
Variant type: single nucleotide variant.
Coding change: c.10034A>T on transcript NM_004525.3 (MANE Select); coding-DNA position 10034, A replaced by T.
Protein change: p.Tyr3345Phe; replaces tyrosine 3345 with phenylalanine.
Molecular consequence: missense variant.
Genome position (GRCh38, 1-based): chr2:169,181,583, T>A on the plus strand (A>T on the coding strand, the complement: LRP2 is on the minus strand). VCF-style: chr2-169181583-T-A. GRCh37 (hg19) VCF-style: chr2-170038093-T-A.
Other names: short protein forms Y3345F.
Identifiers: ClinVar variation 1998948 (VCV001998948.3), dbSNP rs2105294645, ClinGen allele CA349151321.